The following is an entry in ClinVar:

ClinVar aggregate classification (germline): Uncertain significance (1 of 4 stars; one submission).

gnomAD v4.1: 14 of 1,208,293 alleles (0.0012%); highest among the groups gnomAD compares: Non-Finnish European, 0.0016%; no homozygotes.

Submission:

Labcorp Genetics (formerly Invitae), Labcorp
Classification: Uncertain significance. Last evaluated: 2024-03-16. Review status: criteria provided, single submitter. Criteria: Invitae Variant Classification Sherloc (09022015). Collection method: clinical testing. Allele origin: germline.
Comment: This sequence change replaces methionine, which is neutral and non-polar, with valine, which is neutral and non-polar, at codon 420 of the CFP protein (p.Met420Val). This variant is present in population databases (no rsID available, gnomAD 0.001%). This variant has not been reported in the literature in individuals affected with CFP-related conditions. Advanced modeling of protein sequence and biophysical properties (such as structural, functional, and spatial information, amino acid conservation, physicochemical variation, residue mobility, and thermodynamic stability) performed at Invitae indicates that this missense variant is not expected to disrupt CFP protein function with a negative predictive value of 80%. In summary, the available evidence is currently insufficient to determine the role of this variant in disease. Therefore, it has been classified as a Variant of Uncertain Significance.

NM_001145252.3(CFP):c.1258A>G (p.Met420Val)

Gene: CFP (complement factor properdin; minus strand). Cytogenetic location: Xp11.23.
Variant type: single nucleotide variant.
Coding change: c.1258A>G on transcript NM_001145252.3 (MANE Select); coding-DNA position 1258, A replaced by G.
Protein change: p.Met420Val; replaces methionine 420 with valine.
Molecular consequence: missense variant.
Genome position (GRCh38, 1-based): chrX:47,624,427, T>C on the plus strand (A>G on the coding strand, the complement: CFP is on the minus strand). VCF-style: chrX-47624427-T-C. GRCh37 (hg19) VCF-style: chrX-47483826-T-C.
Other names: c.1258A>G, p.Met420Val (NM_002621.2); short protein forms M420V.
Identifiers: ClinVar variation 3690704 (VCV003690704.2).